The following is an entry in ClinVar:

NM_000051.4(ATM):c.4335del (p.Phe1445fs)

Gene: ATM (ATM serine/threonine kinase; plus strand). Cytogenetic location: 11q22.3.
Variant type: Deletion.
Coding change: c.4335del on transcript NM_000051.4 (MANE Select); coding-DNA position 4335, one base deleted (T; older notation c.4335delT).
Protein change: p.Phe1445fs; shifts the reading frame from phenylalanine 1445.
Molecular consequence: frameshift variant.
Genome position (GRCh38, 1-based): chr11:108,289,700, T deleted; the last of 3 consecutive T bases (chr11:108,289,698-108,289,700); deleting any one gives the same sequence. VCF-style (leftmost placement, unchanged base first): chr11-108289697-GT-G. GRCh37 (hg19) VCF-style: chr11-108160424-GT-G.
Other names: c.4335delT, p.Phe1445Leufs (NM_000051.3); c.4335del, p.Phe1445fs (NM_001351834.2); short protein forms F1445fs.
Identifiers: ClinVar variation 4063387 (VCV004063387.2).
Genomic context (GRCh38, chr11:108,289,697, plus strand): 5'-GCAAGCAGCTGAAACAAATAATGTTTATAAGAAGCACAGAATTCTTAAAATATATCACCT[GT>G]TTGTTAGTTTATTACTGAAAGATATAAAAAGTGGCTTAGGAGGAGCTTGGGCCTTTGTTC-3'

ClinVar aggregate classification (germline): Likely pathogenic (1 of 4 stars; one submission).

Conditions:
Ataxia-telangiectasia syndrome (AT). Also called: LOUIS-BAR SYNDROME; Cerebello-oculocutaneous telangiectasia; Immunodeficiency with ataxia telangiectasia; Ataxia-telangiectasia, complementation group D; AT, COMPLEMENTATION GROUP C; ATAXIA-TELANGIECTASIA, COMPLEMENTATION GROUP A. Identifiers: Orphanet 100, MedGen C0004135, MONDO:0008840, OMIM 208900.

Submission:

Natera, Inc.
Classification: Likely pathogenic for Ataxia-telangiectasia. Last evaluated: 2025-03-06. Review status: criteria provided, single submitter. Criteria: Natera Variant Classification Schema (03/2026). Collection method: clinical testing. Allele origin: germline.
Comment: The c.4335del variant in ATM is a frameshift variant predicted to shift the reading frame beginning at codon 1445 and leads to a stop codon 6 codons downstream. This variant is expected to result in nonsense mediated decay, truncation, or a dysfunctional protein product. This variant is rare in the general population with a frequency below the threshold expected for the associated phenotype(s). Given the available evidence, this variant is classified as Likely Pathogenic.